The following is an entry in ClinVar:

ClinVar aggregate classification (germline): Uncertain significance (1 of 4 stars; one submission).

Submission:

Labcorp Genetics (formerly Invitae), Labcorp
Classification: Uncertain significance. Last evaluated: 2022-03-01. Review status: criteria provided, single submitter. Criteria: Invitae Variant Classification Sherloc (09022015). Collection method: clinical testing. Allele origin: germline.
Comment: This sequence change falls in intron 7 of the SKIV2L gene. It does not directly change the encoded amino acid sequence of the SKIV2L protein. In summary, the available evidence is currently insufficient to determine the role of this variant in disease. Therefore, it has been classified as a Variant of Uncertain Significance. Algorithms developed to predict the effect of sequence changes on RNA splicing suggest that this variant may disrupt the consensus splice site. This variant has not been reported in the literature in individuals affected with SKIV2L-related conditions. This variant is not present in population databases (gnomAD no frequency).

NM_006929.5(SKIC2):c.599-5del

Gene: SKIC2 (SKI2 subunit of superkiller complex; plus strand). Cytogenetic location: 6p21.33.
Variant type: Deletion.
Coding change: c.599-5del on transcript NM_006929.5 (MANE Select); 5 bases into the intron before coding-DNA position 599, one base deleted (C; older notation c.599-5delC).
Molecular consequence: intron variant.
Genome position (GRCh38, 1-based): chr6:31,961,191, C deleted; the last of 2 consecutive C bases (chr6:31,961,190-31,961,191); deleting either gives the same sequence. VCF-style (leftmost placement, unchanged base first): chr6-31961189-TC-T. GRCh37 (hg19) VCF-style: chr6-31928966-TC-T.
Identifiers: ClinVar variation 1947459 (VCV001947459.3), dbSNP rs2482903269, ClinGen allele CA2578573171.